The following is an entry in ClinVar:

ClinVar aggregate classification (germline): Benign/Likely benign. Review status: criteria provided, multiple submitters, no conflicts (2 of 4 stars). 4 submissions from 4 submitters: Benign (2); Likely benign (2). Last evaluated 2026-01-27.

Conditions:
Chédiak-Higashi syndrome (CHS). Also called: Chediak-Higashi Syndrome. Identifiers: Orphanet 167, MedGen C0007965, MONDO:0008963, OMIM 214500.

Submissions (5):

Labcorp Genetics (formerly Invitae), Labcorp
Classification: Benign for Chédiak-Higashi syndrome. Last evaluated: 2026-01-27. Review status: criteria provided, single submitter. Criteria: Invitae Variant Classification Sherloc (09022015). Collection method: clinical testing. Allele origin: germline.

Blueprint Genetics
Classification: Likely benign. Last evaluated: 2024-11-26. Review status: criteria provided, single submitter. Criteria: ACMG Guidelines, 2015. Collection method: clinical testing. Allele origin: germline.

Mayo Clinic Laboratories, Mayo Clinic
Classification: Benign. Last evaluated: 2023-11-09. Review status: criteria provided, single submitter. Criteria: ACMG Guidelines, 2015. Collection method: clinical testing. Allele origin: germline. Observed: 14 variant alleles.
Comment: BS1, BS2, BP4, BP7

GeneDx
Classification: Likely benign. Last evaluated: 2019-08-13. Review status: criteria provided, single submitter. Criteria: GeneDx Variant Classification Process June 2021. Collection method: clinical testing. Allele origin: germline. Affected: yes.

Dr. Peter K. Rogan Lab, Western University
No classification provided (evidence only). Condition: Colon adenocarcinoma. Review status: no classification provided. Collection method: in vitro. Allele origin: not applicable. Functional consequence: retained intron. Not counted in ClinVar's aggregate classification.

NM_000081.4(LYST):c.11268-6_11268-5del

Gene: LYST (lysosomal trafficking regulator; minus strand). Cytogenetic location: 1q42.3.
Variant type: Deletion.
Coding change: c.11268-6_11268-5del on transcript NM_000081.4 (MANE Select); 6 bases into the intron before coding-DNA position 11268 through 5 bases into the intron before coding-DNA position 11268, 2 bases deleted (TT; older notation c.11268-6_11268-5delTT).
Molecular consequence: intron variant.
Genome position (GRCh38, 1-based): chr1:235,663,083-235,663,084, AA deleted on the plus strand (TT on the coding strand, the reverse complement: LYST is on the minus strand); deleting any 2 consecutive bases within chr1:235,663,083-235,663,095 gives the same sequence; the c. name uses the placement nearest the transcript's 3' end. VCF-style (leftmost placement, unchanged base first): chr1-235663082-TAA-T. GRCh37 (hg19) VCF-style: chr1-235826382-TAA-T.
Other names: NC_000001.10:g.235826394_235826395del; p.?; c.11268-6_11268-5del (NM_001301365.1); c.11268-17_11268-16del (NM_000081.4).
Identifiers: ClinVar variation 296344 (VCV000296344.17), dbSNP rs36014994, ClinGen allele CA1465155.